The following is an entry in ClinVar:

NM_000352.6(ABCC8):c.1332G>T (p.Gln444His)

Gene: ABCC8 (ATP binding cassette subfamily C member 8; minus strand). Cytogenetic location: 11p15.1.
Variant type: single nucleotide variant.
Coding change: c.1332G>T on transcript NM_000352.6 (MANE Select); coding-DNA position 1332, G replaced by T.
Protein change: p.Gln444His; replaces glutamine 444 with histidine.
Molecular consequence: missense variant. On other transcripts: non-coding transcript variant (1).
Genome position (GRCh38, 1-based): chr11:17,448,516, C>A on the plus strand (G>T on the coding strand, the complement: ABCC8 is on the minus strand). VCF-style: chr11-17448516-C-A. GRCh37 (hg19) VCF-style: chr11-17470063-C-A.
Other names: c.1332G>T (NM_000352.4); c.1332G>T, p.Gln444His (NM_001287174.3, NM_001351295.2); c.1329G>T, p.Gln443His (NM_001351296.2, NM_001351297.2); short protein forms Q443H, Q444H.
Identifiers: ClinVar variation 1071311 (VCV001071311.18), dbSNP rs760062120, ClinGen allele CA379768482.

ClinVar aggregate classification (germline): Pathogenic/Likely pathogenic. Review status: criteria provided, multiple submitters, no conflicts (2 of 4 stars). 8 submissions from 8 submitters: Pathogenic (5); Likely pathogenic (3). Last evaluated 2026-01-28.

Conditions:
Leucine-induced hypoglycemia (LIH). Also called: LEUCINE-SENSITIVE HYPOGLYCEMIA OF INFANCY. Identifiers: MedGen C0271714, MONDO:0009415, OMIM 240800.
Hyperinsulinemic hypoglycemia, familial, 1 (HHF1). Also called: Persistent hyperinsulinemic hypoglycemia of infancy; HYPERINSULINISM, FAMILIAL, WITH PANCREATIC NESIDIOBLASTOSIS; HYPOGLYCEMIA, HYPERINSULINEMIC, OF INFANCY; NESIDIOBLASTOSIS OF PANCREAS; Persistent Hyperinsulinemia Hypoglycemia of Infancy. Identifiers: Orphanet 276575, Orphanet 276598, MedGen C2931832, MONDO:0009734, OMIM 256450.
Diabetes mellitus, transient neonatal, 2 (TNDM2). Identifiers: Orphanet 99886, MedGen C1835887, MONDO:0012480, OMIM 610374. Disease mechanism: loss of function.
Diabetes mellitus, permanent neonatal 3. Also called: ABCC8-Related Permanent Neonatal Diabetes Mellitus. Identifiers: MedGen C5394303, MONDO:0030088, OMIM 618857.
Type 2 diabetes mellitus. Also called: Type II diabetes mellitus. Identifiers: MedGen C0011860, MeSH D003924, MONDO:0005148, OMIM 125853, HP:0005978.
Hereditary hyperinsulinism.
ABCC8-related disorder.

Allele frequency attached by ClinVar (database versions not stated): gnomAD 0.00001; TOPMed 0.00001.
gnomAD v4.1: 10 of 1,613,882 alleles (0.00062%); highest among the groups gnomAD compares: Non-Finnish European, 0.00085%; no homozygotes.

Submissions (8):

Labcorp Genetics (formerly Invitae), Labcorp
Classification: Pathogenic. Last evaluated: 2026-01-28. Review status: criteria provided, single submitter. Criteria: Invitae Variant Classification Sherloc (09022015). Collection method: clinical testing. Allele origin: germline.
Comment: This sequence change replaces glutamine, which is neutral and polar, with histidine, which is basic and polar, at codon 444 of the ABCC8 protein (p.Gln444His). This variant also falls at the last nucleotide of exon 8, which is part of the consensus splice site for this exon. This variant is not present in population databases (gnomAD no frequency). This missense change has been observed in individuals with autosomal recessive diffuse or focal hyperinsulinism (PMID: 21978130, 24401662). It has also been observed to segregate with disease in related individuals. ClinVar contains an entry for this variant (Variation ID: 1071311). An algorithm developed to predict the effect of missense changes on protein structure and function (PolyPhen-2) suggests that this variant is likely to be disruptive. Variants that disrupt the consensus splice site are a relatively common cause of aberrant splicing (PMID: 17576681, 9536098). Algorithms developed to predict the effect of sequence changes on RNA splicing suggest that this variant may disrupt the consensus splice site. For these reasons, this variant has been classified as Pathogenic.

Natera, Inc.
Classification: Pathogenic for Hereditary hyperinsulinism. Last evaluated: 2026-01-05. Review status: criteria provided, single submitter. Criteria: Natera Variant Classification Schema (03/2026). Collection method: clinical testing. Allele origin: germline.
Comment: The c.1332G>T variant in ABCC8 is a missense variant predicted to cause substitution of glutamine to histidine at amino acid 444. This variant is rare in the general population with a frequency below the threshold expected for the associated phenotype(s). This variant has been observed in one or more individuals affected with the associated recessive disease, as either homozygous or compound heterozygous with a second variant (PMID: 26431509, 24401662, 31997554). This variant has been observed in affected individual(s) with monoallelic occurrence (heterozygous/hemizygous) (PMID: 26431509, 39741883, 30186238). Computational prediction algorithms indicate this variant is likely to affect gene or protein function. Given the available evidence, this variant is classified as Pathogenic.

Institute of Human Genetics, University of Leipzig Medical Center
Classification: Likely pathogenic for Hyperinsulinemic hypoglycemia, familial, 1. Last evaluated: 2025-11-26. Review status: criteria provided, single submitter. Criteria: ACMG Guidelines, 2015. Collection method: clinical testing. Allele origin: paternal. Inheritance: Autosomal recessive inheritance. Affected: yes.
Comment: Criteria applied: PM3_STR,PS4_SUP,PM2_SUP,PP3

Centre of Medical Genetics, University Hospital Muenster
Classification: Likely pathogenic. Last evaluated: 2024-08-30. Review status: criteria provided, single submitter. Criteria: ACMG Guidelines, 2015. Collection method: clinical testing. Allele origin: unknown. Affected: yes. Observed: 1 variant allele, 1 heterozygote.
Comment: ACMG categories: PS4,PM2,PP3

Fulgent Genetics
Classification: Likely pathogenic for Type 2 diabetes mellitus; Leucine-induced hypoglycemia; Hyperinsulinemic hypoglycemia, familial, 1; Diabetes mellitus, transient neonatal, 2; Diabetes mellitus, permanent neonatal 3. Last evaluated: 2024-05-29. Review status: criteria provided, single submitter. Criteria: ACMG Guidelines, 2015. Collection method: clinical testing. Allele origin: germline.

Blueprint Genetics
Classification: Pathogenic for ABCC8-related disorders. Last evaluated: 2024-05-07. Review status: criteria provided, single submitter. Criteria: ACMG Guidelines, 2015. Collection method: clinical testing. Allele origin: germline. Affected: yes. Observed: 4 variant alleles.

Baylor Genetics
Classification: Pathogenic for Type 2 diabetes mellitus. Last evaluated: 2023-11-25. Review status: criteria provided, single submitter. Criteria: ACMG Guidelines, 2015. Collection method: clinical testing. Allele origin: unknown.

Clinical Genetics Service, Universitary Hospital 12 de Octubre
Classification: Pathogenic for Leucine-induced hypoglycemia. Review status: criteria provided, single submitter. Criteria: ACMG Guidelines, 2015. Collection method: clinical testing. Allele origin: germline. Affected: yes.

Literature cited by the submitters: PubMed 21978130 (cited by Labcorp Genetics (formerly Invitae), Labcorp); PubMed 24401662 (cited by Labcorp Genetics (formerly Invitae), Labcorp and Natera, Inc.); PubMed 17576681 (cited by Labcorp Genetics (formerly Invitae), Labcorp); PubMed 9536098 (cited by Labcorp Genetics (formerly Invitae), Labcorp); PubMed 26431509 (cited by Natera, Inc.); PubMed 31997554 (cited by Natera, Inc.); PubMed 39741883 (cited by Natera, Inc.); PubMed 30186238 (cited by Natera, Inc.).